The following is an entry in ClinVar:

ClinVar aggregate classification (germline): Pathogenic/Likely pathogenic. Review status: criteria provided, multiple submitters, no conflicts (2 of 4 stars). 2 submissions from 2 submitters: Pathogenic (1); Likely pathogenic (1). Last evaluated 2024-08-21.

Conditions:
CDKL5 disorder. Identifiers: MedGen CN296942, MONDO:0100039.

Submissions (2):

Centre for Population Genomics, CPG
Classification: Pathogenic for CDKL5 disorder. Last evaluated: 2024-08-21. Review status: criteria provided, single submitter. Criteria: McKnight et al. (Hum Mutat. 2022). Collection method: curation. Allele origin: germline. Inheritance: X-linked inheritance.
Comment: This variant has been collected from RettBASE and curated to current modified ACMG/AMP criteria. Based on the classification scheme defined by the ClinGen Rett/Angelman-like Expert Panel for Rett/AS-like Disorders Specifications to the ACMG/AMP Variant Interpretation Guidelines VCEP 3.0, this variant is classified as pathogenic. At least the following criteria are met: Predicted to result in loss of function, and LOF is a known mechanism of disease (PVS1). This variant is absent from gnomAD v4 (PM2_Supporting). Has been observed in at least 2 individuals with phenotypes consistent with CDKL5 disorder (PS4_Supporting). PMID 25657822 ClinVar Variation ID: 620117

GeneDx
Classification: Likely pathogenic. Last evaluated: 2018-11-13. Review status: criteria provided, single submitter. Criteria: GeneDx Variant Classification (06012015). Collection method: clinical testing. Allele origin: germline. Affected: yes.
Comment: The K680X nonsense variant has been reported previously in association with a CDKL5-related disorder (Fehr et al., 2013). This variant is predicted to cause loss of normal protein function either through protein truncation or nonsense-mediated mRNA decay. Furthermore, the K680X variant is not observed in large population cohorts (Lek et al., 2016). Therefore, this variant is likely pathogenic; however, the possibility that it is benign cannot be excluded.

NM_001323289.2(CDKL5):c.2038A>T (p.Lys680Ter)

Gene: CDKL5 (cyclin dependent kinase like 5; plus strand). Cytogenetic location: Xp22.13.
Variant type: single nucleotide variant.
Coding change: c.2038A>T on transcript NM_001323289.2 (MANE Select); coding-DNA position 2038, A replaced by T.
Protein change: p.Lys680Ter; replaces lysine 680 with a stop codon.
Molecular consequence: nonsense.
Genome position (GRCh38, 1-based): chrX:18,608,904, A>T. VCF-style: chrX-18608904-A-T. GRCh37 (hg19) VCF-style: chrX-18627024-A-T.
Other names: NM_001323289.2(CDKL5):c.2038A>T; p.Lys680Ter; c.2038A>T, p.Lys680Ter (NM_001037343.2, NM_003159.3); short protein forms K680*.
Identifiers: ClinVar variation 620117 (VCV000620117.2), dbSNP rs1569220754, ClinGen allele CA412366148.